The following is an entry in ClinVar:

NM_182961.4(SYNE1):c.11089A>G (p.Ile3697Val)

Gene: SYNE1 (spectrin repeat containing nuclear envelope protein 1; minus strand). Cytogenetic location: 6q25.2.
Variant type: single nucleotide variant.
Coding change: c.11089A>G on transcript NM_182961.4 (MANE Select); coding-DNA position 11089, A replaced by G.
Protein change: p.Ile3697Val; replaces isoleucine 3697 with valine.
Molecular consequence: missense variant.
Genome position (GRCh38, 1-based): chr6:152,353,427, T>C on the plus strand (A>G on the coding strand, the complement: SYNE1 is on the minus strand). VCF-style: chr6-152353427-T-C. GRCh37 (hg19) VCF-style: chr6-152674562-T-C.
Other names: p.Ile3682Val; c.11044A>G, p.Ile3682Val (NM_033071.5); c.11089A>G (NM_182961.2); short protein forms I3682V, I3697V.
Identifiers: ClinVar variation 1923960 (VCV001923960.7), dbSNP rs368828206, ClinGen allele CA4056772.

ClinVar aggregate classification (germline): Conflicting classifications of pathogenicity. Review status: criteria provided, conflicting classifications (1 of 4 stars). 4 submissions from 4 submitters: Uncertain significance (3); Likely benign (1). Last evaluated 2024-06-10.

Conditions:
Emery-Dreifuss muscular dystrophy 4, autosomal dominant (EDMD4). Also called: EMERY-DREIFUSS MUSCULAR DYSTROPHY 4 WITH VARIABLE FEATURES. Identifiers: Orphanet 261, MedGen C2751807, MONDO:0013071, OMIM 612998.
Autosomal recessive ataxia, Beauce type. Also called: SYNE1-Related Autosomal Recessive Cerebellar Ataxia; SYNE1 Deficiency; Spinocerebellar ataxia, autosomal recessive 8; ATAXIA, RECESSIVE, OF BEAUCE. Identifiers: Orphanet 88644, MedGen C1853116, MONDO:0012549, OMIM 610743.

Allele frequency attached by ClinVar (database versions not stated): gnomAD exomes 0.00001; ExAC 0.00003; gnomAD 0.00005; TOPMed 0.00006.
gnomAD v4.1: 31 of 1,614,200 alleles (0.0019%); highest among the groups gnomAD compares: East Asian, 0.051%; no homozygotes.

Submissions (4):

Mayo Clinic Laboratories, Mayo Clinic
Classification: Uncertain significance. Last evaluated: 2024-06-10. Review status: criteria provided, single submitter. Criteria: ACMG Guidelines, 2015. Collection method: clinical testing. Allele origin: germline. Observed: 1 variant allele.
Comment: BP4

Revvity Omics, Revvity
Classification: Likely benign. Last evaluated: 2023-09-13. Review status: criteria provided, single submitter. Criteria: ACMG Guidelines, 2015. Collection method: clinical testing. Allele origin: germline.

Athena Diagnostics
Classification: Uncertain significance. Last evaluated: 2023-03-28. Review status: criteria provided, single submitter. Criteria: Athena Diagnostics Criteria. Collection method: clinical testing. Allele origin: unknown.
Comment: Available data are insufficient to determine the clinical significance of the variant at this time. The frequency of this variant in the general population is higher than would generally be expected for pathogenic variants in this gene. Computational tools predict that this variant is not damaging.

Labcorp Genetics (formerly Invitae), Labcorp
Classification: Uncertain significance for Emery-Dreifuss muscular dystrophy 4, autosomal dominant; Autosomal recessive ataxia, Beauce type. Last evaluated: 2022-03-04. Review status: criteria provided, single submitter. Criteria: Invitae Variant Classification Sherloc (09022015). Collection method: clinical testing. Allele origin: germline.
Comment: This sequence change replaces isoleucine, which is neutral and non-polar, with valine, which is neutral and non-polar, at codon 3682 of the SYNE1 protein (p.Ile3682Val). This variant is present in population databases (rs368828206, gnomAD 0.1%). This variant has not been reported in the literature in individuals affected with SYNE1-related conditions. Algorithms developed to predict the effect of missense changes on protein structure and function output the following: SIFT: "Tolerated"; PolyPhen-2: "Benign"; Align-GVGD: "Class C0". The valine amino acid residue is found in multiple mammalian species, which suggests that this missense change does not adversely affect protein function. Algorithms developed to predict the effect of sequence changes on RNA splicing suggest that this variant may create or strengthen a splice site. In summary, the available evidence is currently insufficient to determine the role of this variant in disease. Therefore, it has been classified as a Variant of Uncertain Significance.